The following is an entry in ClinVar:

ClinVar aggregate classification (germline): Uncertain significance (1 of 4 stars; one submission).

Conditions:
Inborn genetic diseases. Identifiers: MedGen C0950123, MeSH D030342.

Submission:

Ambry Genetics
Classification: Uncertain significance for Inborn genetic diseases. Last evaluated: 2026-04-23. Review status: criteria provided, single submitter. Criteria: Ambry Variant Classification Scheme 2023. Collection method: clinical testing. Allele origin: germline.
Comment: The p.T1613A variant (also known as c.4837A>G), located in coding exon 14 of the F5 gene, results from an A to G substitution at nucleotide position 4837. The threonine at codon 1613 is replaced by alanine, an amino acid with similar properties. This amino acid position is conserved. In addition, the in silico prediction for this alteration is inconclusive. Based on the available evidence, the clinical significance of this variant remains unclear.

NM_000130.5(F5):c.4837A>G (p.Thr1613Ala)

Gene: F5 (coagulation factor V; minus strand). Cytogenetic location: 1q24.2.
Variant type: single nucleotide variant.
Coding change: c.4837A>G on transcript NM_000130.5 (MANE Select); coding-DNA position 4837, A replaced by G.
Protein change: p.Thr1613Ala; replaces threonine 1613 with alanine.
Molecular consequence: missense variant.
Genome position (GRCh38, 1-based): chr1:169,536,640, T>C on the plus strand (A>G on the coding strand, the complement: F5 is on the minus strand). VCF-style: chr1-169536640-T-C. GRCh37 (hg19) VCF-style: chr1-169505878-T-C.
Other names: short protein forms T1613A.
Identifiers: ClinVar variation 4619044 (VCV004619044.2).